The following is an entry in ClinVar:

ClinVar aggregate classification (germline): Likely benign (0 of 4 stars; one submission).

Conditions:
FXYD2-related disorder. Also called: FXYD2-related condition.

Allele frequency attached by ClinVar (database versions not stated): gnomAD exomes 0.00010; ExAC 0.00029; 1000 Genomes Project 0.00080; gnomAD 0.00094; 1000 Genomes Project 30x 0.00109; ESP Exome Variant Server 0.00139.
gnomAD v4.1: 287 of 1,613,998 alleles (0.018%); highest among the groups gnomAD compares: African/African-American, 0.36%; no homozygotes.

Submission:

PreventionGenetics, part of Exact Sciences
Classification: Likely benign for FXYD2-related condition. Last evaluated: 2022-12-20. Review status: no assertion criteria provided. Collection method: clinical testing. Allele origin: germline.
Comment: This variant is classified as likely benign based on ACMG/AMP sequence variant interpretation guidelines (Richards et al. 2015 PMID: 25741868, with internal and published modifications).

NM_001680.5(FXYD2):c.*6G>T

Genes: FXYD2 (FXYD domain containing ion transport regulator 2; minus strand), FXYD6-FXYD2 (FXYD6-FXYD2 readthrough; minus strand). Cytogenetic location: 11q23.3.
Variant type: single nucleotide variant.
Coding change: c.*6G>T on transcript NM_001680.5 (MANE Select); 6 bases downstream of the stop codon, G replaced by T.
Molecular consequence: 3 prime UTR variant.
Genome position (GRCh38, 1-based): chr11:117,820,666, C>A on the plus strand (G>T on the coding strand, the complement: FXYD2 is on the minus strand). VCF-style: chr11-117820666-C-A. GRCh37 (hg19) VCF-style: chr11-117691381-C-A.
Other names: c.*6G>T (NM_001204268.3, NM_021603.4); c.*40G>T (NM_001243598.4).
Identifiers: ClinVar variation 3053963 (VCV003053963.2), dbSNP rs180728680, ClinGen allele CA6297739.